The following is an entry in ClinVar:

ClinVar aggregate classification (germline): Uncertain significance. Review status: criteria provided, multiple submitters, no conflicts (2 of 4 stars). 2 submissions from 2 submitters: Uncertain significance (2). Last evaluated 2024-01-14.

Conditions:
Oto-palato-digital syndrome, type II (OPD2). Also called: FACIOPALATOOSSEOUS SYNDROME; OPD II SYNDROME; Otopalatodigital Syndrome Type 2 (FLNA-OPD2); Otopalatodigital Syndrome, Type II. Identifiers: Orphanet 669, Orphanet 90652, MedGen C1844696, MONDO:0010571, OMIM 304120.
Heterotopia, periventricular, X-linked dominant (PVNH1). Also called: PERIVENTRICULAR NODULAR HETEROTOPIA 1; X-linked periventricular heterotopia; PERIVENTRICULAR NODULAR HETEROTOPIA 4; HETEROTOPIA, PERIVENTRICULAR, 1. Identifiers: Orphanet 2149, Orphanet 82004, MedGen C1848213, MONDO:0010233, OMIM 300049.
Melnick-Needles syndrome (MNS). Also called: MELNICK-NEEDLES OSTEODYSPLASTY; OSTEODYSPLASTY OF MELNICK AND NEEDLES; Melnick-Needles Syndrome (FLNA-MNS). Identifiers: Orphanet 2484, MedGen C0025237, MONDO:0010650, OMIM 309350.
Frontometaphyseal dysplasia (FMD1). Identifiers: Orphanet 1826, MedGen C0265293, MONDO:0015942.
FLNA-related disorder.

Submissions (2):

Labcorp Genetics (formerly Invitae), Labcorp
Classification: Uncertain significance for Oto-palato-digital syndrome, type II; Heterotopia, periventricular, X-linked dominant; Frontometaphyseal dysplasia; Melnick-Needles syndrome. Last evaluated: 2024-01-14. Review status: criteria provided, single submitter. Criteria: Invitae Variant Classification Sherloc (09022015). Collection method: clinical testing. Allele origin: germline.
Comment: This sequence change replaces proline, which is neutral and non-polar, with leucine, which is neutral and non-polar, at codon 868 of the FLNA protein (p.Pro868Leu). This variant is not present in population databases (gnomAD no frequency). This variant has not been reported in the literature in individuals affected with FLNA-related conditions. ClinVar contains an entry for this variant (Variation ID: 2633815). Advanced modeling of protein sequence and biophysical properties (such as structural, functional, and spatial information, amino acid conservation, physicochemical variation, residue mobility, and thermodynamic stability) performed at Invitae indicates that this missense variant is not expected to disrupt FLNA protein function with a negative predictive value of 95%. In summary, the available evidence is currently insufficient to determine the role of this variant in disease. Therefore, it has been classified as a Variant of Uncertain Significance.

PreventionGenetics, part of Exact Sciences
Classification: Uncertain significance for FLNA-related condition. Last evaluated: 2023-04-13. Review status: criteria provided, single submitter. Criteria: ACMG Guidelines, 2015. Collection method: clinical testing. Allele origin: germline.
Comment: The FLNA c.2603C>T variant is predicted to result in the amino acid substitution p.Pro868Leu. To our knowledge, this variant has not been reported in the literature or in a large population database, indicating this variant is rare. At this time, the clinical significance of this variant is uncertain due to the absence of conclusive functional and genetic evidence.

NM_001110556.2(FLNA):c.2603C>T (p.Pro868Leu)

Gene: FLNA (filamin A; minus strand). Cytogenetic location: Xq28.
Variant type: single nucleotide variant.
Coding change: c.2603C>T on transcript NM_001110556.2 (MANE Select); coding-DNA position 2603, C replaced by T.
Protein change: p.Pro868Leu; replaces proline 868 with leucine.
Molecular consequence: missense variant.
Genome position (GRCh38, 1-based): chrX:154,362,295, G>A on the plus strand (C>T on the coding strand, the complement: FLNA is on the minus strand). VCF-style: chrX-154362295-G-A. GRCh37 (hg19) VCF-style: chrX-153590663-G-A.
Other names: c.2603C>T, p.Pro868Leu (NM_001456.4); short protein forms P868L.
Identifiers: ClinVar variation 2633815 (VCV002633815.4), dbSNP rs2522747953, ClinGen allele CA415233555.